The following is an entry in ClinVar:

ClinVar aggregate classification (germline): Uncertain significance (1 of 4 stars; one submission).

Submission:

Ambry Genetics
Classification: Uncertain significance. Last evaluated: 2022-11-24. Review status: criteria provided, single submitter. Criteria: Ambry Variant Classification Scheme 2023. Collection method: clinical testing. Allele origin: germline.
Comment: The p.K282Q variant (also known as c.844A>C), located in coding exon 10 of the NPAT gene, results from an A to C substitution at nucleotide position 844. The lysine at codon 282 is replaced by glutamine, an amino acid with similar properties. This amino acid position is conserved. In addition, this alteration is predicted to be tolerated by in silico analysis. Since supporting evidence is limited at this time, the clinical significance of this alteration remains unclear.

NM_002519.3(NPAT):c.844A>C (p.Lys282Gln)

Gene: NPAT (nuclear protein, coactivator of histone transcription; minus strand). Cytogenetic location: 11q22.3.
Variant type: single nucleotide variant.
Coding change: c.844A>C on transcript NM_002519.3 (MANE Select); coding-DNA position 844, A replaced by C.
Protein change: p.Lys282Gln; replaces lysine 282 with glutamine.
Molecular consequence: missense variant.
Genome position (GRCh38, 1-based): chr11:108,185,294, T>G on the plus strand (A>C on the coding strand, the complement: NPAT is on the minus strand). VCF-style: chr11-108185294-T-G. GRCh37 (hg19) VCF-style: chr11-108056021-T-G.
Other names: c.844A>C, p.Lys282Gln (NM_001321307.1); short protein forms K282Q.
Identifiers: ClinVar variation 2453739 (VCV002453739.2), dbSNP rs2496737723, ClinGen allele CA382520144.